The following is an entry in ClinVar:

ClinVar aggregate classification (germline): Conflicting classifications of pathogenicity. Review status: criteria provided, conflicting classifications (1 of 4 stars). 6 submissions from 6 submitters: Uncertain significance (3); Benign (1); Likely benign (2). Last evaluated 2025-08-12.

Conditions:
Brugada syndrome 3 (BRGDA3). Identifiers: Orphanet 130, MedGen C2678478, MONDO:0012742, OMIM 611875.
Long QT syndrome 8. Identifiers: MedGen CN260585, MONDO:0032756, OMIM 618447.
Timothy syndrome (TS). Also called: LONG QT SYNDROME WITH SYNDACTYLY. Identifiers: Orphanet 65283, MedGen C1832916, MeSH C536962, MONDO:0010979, OMIM 601005.
CACNA1C-related disorder. Also called: CACNA1C-related disorders; CACNA1C-related condition. Identifiers: MedGen CN381092, MONDO:0700321.
Cardiovascular phenotype. Identifiers: MedGen CN230736.
Long QT syndrome (LQTS). Identifiers: MedGen C0023976, MeSH D008133, MONDO:0002442. Disease mechanism: loss of function. Inheritance: Various modes of inheritance.

Allele frequency attached by ClinVar (database versions not stated): gnomAD 0.00001; ESP Exome Variant Server 0.00008; TOPMed 0.00004; ExAC 0.00005; gnomAD exomes 0.00002 and 0.00005.
gnomAD v4.1: 31 of 1,612,396 alleles (0.0019%); highest among the groups gnomAD compares: Admixed American, 0.017%; no homozygotes.

Submissions (6):

Labcorp Genetics (formerly Invitae), Labcorp
Classification: Likely benign for Long QT syndrome. Last evaluated: 2025-08-12. Review status: criteria provided, single submitter. Criteria: Invitae Variant Classification Sherloc (09022015). Collection method: clinical testing. Allele origin: germline.

Ambry Genetics
Classification: Benign for Cardiovascular phenotype. Last evaluated: 2025-02-21. Review status: criteria provided, single submitter. Criteria: Ambry Variant Classification Scheme 2023. Collection method: clinical testing. Allele origin: germline.

PreventionGenetics, part of Exact Sciences
Classification: Uncertain significance for CACNA1C-related condition. Last evaluated: 2024-12-10. Review status: criteria provided, single submitter. Criteria: ACMG Guidelines, 2015. Collection method: clinical testing. Allele origin: germline.
Comment: The CACNA1C c.5338C>T variant is predicted to result in the amino acid substitution p.Arg1780Cys. To our knowledge, this variant has not been reported in the literature. This variant is reported in 0.023% of alleles in individuals of Latino descent in gnomAD. At this time, the clinical significance of this variant is uncertain due to the absence of conclusive functional and genetic evidence.

Women's Health and Genetics/Laboratory Corporation of America, LabCorp
Classification: Likely benign. Last evaluated: 2023-12-12. Review status: criteria provided, single submitter. Criteria: LabCorp Variant Classification Summary - May 2015. Collection method: clinical testing. Allele origin: germline.
Comment: Variant summary: CACNA1C c.5338C>T (p.Arg1780Cys) results in a non-conservative amino acid change in the encoded protein sequence. Three of five in-silico tools predict a benign effect of the variant on protein function. The variant allele was found at a frequency of 1.9e-05 in 1612396 control chromosomes, predominantly at a frequency of 0.00017 within the Latino subpopulation in the gnomAD database. The observed variant frequency within Latino control individuals in the gnomAD database is approximately 17 fold of the estimated maximal expected allele frequency for a pathogenic variant in CACNA1C causing Timothy Syndrome phenotype (1e-05), strongly suggesting that the variant is a benign polymorphism found primarily in populations of Latino origin. To our knowledge, no occurrence of c.5338C>T in individuals affected with Timothy Syndrome and no experimental evidence demonstrating its impact on protein function have been reported. Four submitters have cited clinical-significance assessments for this variant to ClinVar after 2014 and classified as VUS (n=3) and likely benign (n=1). Based on the evidence outlined above, the variant was classified as likely benign.

Fulgent Genetics
Classification: Uncertain significance for Timothy syndrome; Brugada syndrome 3; Long QT syndrome 8. Last evaluated: 2022-02-14. Review status: criteria provided, single submitter. Criteria: ACMG Guidelines, 2015. Collection method: clinical testing. Allele origin: unknown.

GeneDx
Classification: Uncertain significance. Last evaluated: 2019-11-15. Review status: criteria provided, single submitter. Criteria: GeneDx Variant Classification Process June 2021. Collection method: clinical testing. Allele origin: germline. Affected: yes.
Comment: Has not been previously published as pathogenic or benign to our knowledge; Reported in ClinVar as a variant of uncertain significance (ClinVar Variant ID# 190688; Landrum et al., 2016); In silico analysis, which includes protein predictors and evolutionary conservation, supports a deleterious effect

NM_000719.7(CACNA1C):c.5338C>T (p.Arg1780Cys)

Genes: CACNA1C (calcium voltage-gated channel subunit alpha1 C; plus strand), CACNA1C-AS1 (CACNA1C antisense RNA 1; minus strand). Cytogenetic location: 12p13.33.
Variant type: single nucleotide variant.
Coding change: c.5338C>T on transcript NM_000719.7 (MANE Select); coding-DNA position 5338, C replaced by T.
Protein change: p.Arg1780Cys; replaces arginine 1780 with cysteine.
Molecular consequence: missense variant.
Genome position (GRCh38, 1-based): chr12:2,679,690, C>T. VCF-style: chr12-2679690-C-T. GRCh37 (hg19) VCF-style: chr12-2788856-C-T.
Other names: p.R1780C:CGC>TGC; c.5482C>T, p.Arg1828Cys (NM_001129827.2, NM_199460.4); c.5461C>T, p.Arg1821Cys (NM_001129829.2); c.5338C>T, p.Arg1780Cys (NM_001129830.3, NM_001129840.2, NM_001129841.2 and 4 more transcripts); c.5422C>T, p.Arg1808Cys (NM_001129831.2); c.5398C>T, p.Arg1800Cys (NM_001129832.2); c.5395C>T, p.Arg1799Cys (NM_001129833.2, NM_001129834.2, NM_001129835.2); c.5389C>T, p.Arg1797Cys (NM_001129836.2); and 4 more; short protein forms R1780C, R1828C, R1777C, R1797C, R1788C, R1799C, R1808C, R1769C.
Identifiers: ClinVar variation 190688 (VCV000190688.18), dbSNP rs371760034, ClinGen allele CA301647.